The following is an entry in ClinVar:

ClinVar aggregate classification (germline): Conflicting classifications of pathogenicity. Review status: criteria provided, conflicting classifications (1 of 4 stars). 4 submissions from 4 submitters: Uncertain significance (3); Likely benign (1). Last evaluated 2025-11-03.

Allele frequency attached by ClinVar (database versions not stated): 1000 Genomes Project 30x 0.00047; 1000 Genomes Project 0.00060; gnomAD exomes 0.00032 and 0.00015; ExAC 0.00037; TOPMed 0.00014.
gnomAD v4.1: 230 of 1,601,912 alleles (0.014%); highest among the groups gnomAD compares: East Asian, 0.49%; 1 homozygote.

Submissions (4):

Labcorp Genetics (formerly Invitae), Labcorp
Classification: Likely benign. Last evaluated: 2025-11-03. Review status: criteria provided, single submitter. Criteria: Invitae Variant Classification Sherloc (09022015). Collection method: clinical testing. Allele origin: germline.

GeneDx
Classification: Uncertain significance. Last evaluated: 2023-12-04. Review status: criteria provided, single submitter. Criteria: GeneDx Variant Classification Process June 2021. Collection method: clinical testing. Allele origin: germline. Affected: yes.
Comment: In silico analysis supports that this missense variant has a deleterious effect on protein structure/function; Has not been previously published as pathogenic or benign to our knowledge

Mayo Clinic Laboratories, Mayo Clinic
Classification: Uncertain significance. Last evaluated: 2023-09-28. Review status: criteria provided, single submitter. Criteria: ACMG Guidelines, 2015. Collection method: clinical testing. Allele origin: germline. Observed: 1 variant allele.
Comment: BS1

Blueprint Genetics
Classification: Uncertain significance. Last evaluated: 2021-03-29. Review status: criteria provided, single submitter. Criteria: ACMG Guidelines, 2015. Collection method: clinical testing. Allele origin: germline.

NM_032380.5(GFM2):c.2213G>A (p.Gly738Asp)

Gene: GFM2 (GTP dependent ribosome recycling factor mitochondrial 2; minus strand). Cytogenetic location: 5q13.3.
Variant type: single nucleotide variant.
Coding change: c.2213G>A on transcript NM_032380.5 (MANE Select); coding-DNA position 2213, G replaced by A.
Protein change: p.Gly738Asp; replaces glycine 738 with aspartic acid.
Molecular consequence: missense variant. On other transcripts: non-coding transcript variant (1).
Genome position (GRCh38, 1-based): chr5:74,721,782, C>T on the plus strand (G>A on the coding strand, the complement: GFM2 is on the minus strand). VCF-style: chr5-74721782-C-T. GRCh37 (hg19) VCF-style: chr5-74017607-C-T.
Other names: p.Gly738Asp; c.2309G>A, p.Gly770Asp (NM_001281302.2); c.2072G>A, p.Gly691Asp (NM_170691.3); short protein forms G691D, G738D, G770D.
Identifiers: ClinVar variation 1320656 (VCV001320656.8), dbSNP rs139901493, ClinGen allele CA3306317.